The following is an entry in ClinVar:

ClinVar aggregate classification (germline): Uncertain significance (1 of 4 stars; one submission).

Submission:

Ambry Genetics
Classification: Uncertain significance. Last evaluated: 2026-06-03. Review status: criteria provided, single submitter. Criteria: Ambry Variant Classification Scheme 2023. Collection method: clinical testing. Allele origin: germline.
Comment: The p.E386A variant (also known as c.1157A>C), located in coding exon 10 of the GEN1 gene, results from an A to C substitution at nucleotide position 1157. The glutamic acid at codon 386 is replaced by alanine, an amino acid with dissimilar properties. This amino acid position is conserved. In addition, this alteration is predicted to be tolerated by in silico analysis. Based on the available evidence, the clinical significance of this variant remains unclear.

NM_001130009.3(GEN1):c.1157A>C (p.Glu386Ala)

Gene: GEN1 (GEN1 structure-specific endonuclease; plus strand). Cytogenetic location: 2p24.2.
Variant type: single nucleotide variant.
Coding change: c.1157A>C on transcript NM_001130009.3 (MANE Select); coding-DNA position 1157, A replaced by C.
Protein change: p.Glu386Ala; replaces glutamic acid 386 with alanine.
Molecular consequence: missense variant.
Genome position (GRCh38, 1-based): chr2:17,774,356, A>C. VCF-style: chr2-17774356-A-C. GRCh37 (hg19) VCF-style: chr2-17955623-A-C.
Other names: c.1157A>C, p.Glu386Ala (NM_182625.5); short protein forms E386A.
Identifiers: ClinVar variation 4858003 (VCV004858003.1).